The following is an entry in ClinVar:

ClinVar aggregate classification (germline): Likely benign (1 of 4 stars; one submission).

Submission:

CeGaT Center for Human Genetics Tuebingen
Classification: Likely benign. Last evaluated: 2025-06-01. Review status: criteria provided, single submitter. Criteria: CeGaT Center For Human Genetics Tuebingen Variant Classification Criteria Version 2. Collection method: clinical testing. Allele origin: germline. Affected: yes. Observed: 1 variant allele.
Comment: FITM2: PM2:Supporting, BP4, BP7

NM_001080472.4(FITM2):c.303G>C (p.Thr101=)

Gene: FITM2 (fat storage inducing transmembrane protein 2; minus strand). Cytogenetic location: 20q13.12.
Variant type: single nucleotide variant.
Coding change: c.303G>C on transcript NM_001080472.4 (MANE Select); coding-DNA position 303, G replaced by C.
Protein change: p.Thr101=; no amino-acid change (threonine 101 retained).
Molecular consequence: synonymous variant.
Genome position (GRCh38, 1-based): chr20:44,307,111, C>G on the plus strand (G>C on the coding strand, the complement: FITM2 is on the minus strand). VCF-style: chr20-44307111-C-G. GRCh37 (hg19) VCF-style: chr20-42935751-C-G.
Identifiers: ClinVar variation 3905638 (VCV003905638.10).
Genomic context (GRCh38, chr20:44,307,111, plus strand): 5'-GCAGCTGCCCGTGTAGTGTTCGATGTTGGAGAAGATGGAGGTGCAGATGTACCAGATGGC[C>G]GTGCCCACAAGCAGGGTGCTCAGCCGCCGCAGGACCAAGCCAGCCTTGCCGGTCAGATGG-3'
Protein context (NP_001073941.1, residues 91-111): LRRLSTLLVG[Thr101=]AIWYICTSIF